The following is an entry in ClinVar:

NM_006514.4(SCN10A):c.226G>A (p.Gly76Arg)

Gene: SCN10A (sodium voltage-gated channel alpha subunit 10; minus strand). Cytogenetic location: 3p22.2.
Variant type: single nucleotide variant.
Coding change: c.226G>A on transcript NM_006514.4 (MANE Select); coding-DNA position 226, G replaced by A.
Protein change: p.Gly76Arg; replaces glycine 76 with arginine.
Molecular consequence: missense variant.
Genome position (GRCh38, 1-based): chr3:38,793,785, C>T on the plus strand (G>A on the coding strand, the complement: SCN10A is on the minus strand). VCF-style: chr3-38793785-C-T. GRCh37 (hg19) VCF-style: chr3-38835276-C-T.
Other names: c.226G>A, p.Gly76Arg (NM_001293306.2, NM_001293307.2); short protein forms G76R.
Identifiers: ClinVar variation 2418094 (VCV002418094.6), dbSNP rs749652481, ClinGen allele CA352162620.
Genomic context (GRCh38, chr3:38,793,785, plus strand): 5'-TACTAGTAGCTCTTACCCGGTGTGTGCTGTAGAACGGATCTAGATCCTCCAGGGGCTCCC[C>T]GATCAGTTCTGCTGGGAGCTCACCATAGAACTTGGGCAGCTGGTTGCAGGCTTTCAAGTC-3'
Protein context (NP_006505.4, residues 66-86): FYGELPAELI[Gly76Arg]EPLEDLDPFY

ClinVar aggregate classification (germline): Uncertain significance (1 of 4 stars; one submission).

Conditions:
Brugada syndrome. Also called: Sudden unexplained nocturnal death syndrome; Sudden unexpected nocturnal death syndrome; Sudden Unexplained Death Syndrome; Sudden Unexplained Nocturnal Death Syndrome (SUNDS). Identifiers: Orphanet 130, MedGen C1142166, MONDO:0015263.

Allele frequency attached by ClinVar (database versions not stated): TOPMed below 0.00001; gnomAD 0.00001.

Submission:

Labcorp Genetics (formerly Invitae), Labcorp
Classification: Uncertain significance for Brugada syndrome. Last evaluated: 2022-06-25. Review status: criteria provided, single submitter. Criteria: Invitae Variant Classification Sherloc (09022015). Collection method: clinical testing. Allele origin: germline.
Comment: In summary, the available evidence is currently insufficient to determine the role of this variant in disease. Therefore, it has been classified as a Variant of Uncertain Significance. Algorithms developed to predict the effect of missense changes on protein structure and function (SIFT, PolyPhen-2, Align-GVGD) all suggest that this variant is likely to be disruptive. This variant has not been reported in the literature in individuals affected with SCN10A-related conditions. This variant is not present in population databases (gnomAD no frequency). This sequence change replaces glycine, which is neutral and non-polar, with arginine, which is basic and polar, at codon 76 of the SCN10A protein (p.Gly76Arg).